The following is an entry in ClinVar:

ClinVar aggregate classification (germline): Uncertain significance. Review status: criteria provided, multiple submitters, no conflicts (2 of 4 stars). 2 submissions from 2 submitters: Uncertain significance (2). Last evaluated 2025-04-21.

Conditions:
Inborn genetic diseases. Identifiers: MedGen C0950123, MeSH D030342.
Nemaline myopathy 5 (NEM5A). Also called: NEMALINE MYOPATHY, AMISH TYPE; Nemaline myopathy 5, Amish type; NEMALINE MYOPATHY 5A, AUTOSOMAL RECESSIVE, SEVERE INFANTILE. Identifiers: Orphanet 98902, MedGen C1854380, MONDO:0011539, OMIM 605355.

Allele frequency attached by ClinVar (database versions not stated): ESP Exome Variant Server 0.00008; 1000 Genomes Project 0.00020; 1000 Genomes Project 30x 0.00031; gnomAD exomes 0.00001; ExAC 0.00002; TOPMed 0.00002.
gnomAD v4.1: 16 of 1,612,756 alleles (0.00099%); highest among the groups gnomAD compares: African/African-American, 0.008%; no homozygotes.

Submissions (2):

Ambry Genetics
Classification: Uncertain significance for Inborn genetic diseases. Last evaluated: 2025-04-21. Review status: criteria provided, single submitter. Criteria: Ambry Variant Classification Scheme 2023. Collection method: clinical testing. Allele origin: germline.

Labcorp Genetics (formerly Invitae), Labcorp
Classification: Uncertain significance for Nemaline myopathy 5. Last evaluated: 2022-06-27. Review status: criteria provided, single submitter. Criteria: Invitae Variant Classification Sherloc (09022015). Collection method: clinical testing. Allele origin: germline.
Comment: In summary, the available evidence is currently insufficient to determine the role of this variant in disease. Therefore, it has been classified as a Variant of Uncertain Significance. Algorithms developed to predict the effect of missense changes on protein structure and function are either unavailable or do not agree on the potential impact of this missense change (SIFT: "Deleterious"; PolyPhen-2: "Probably Damaging"; Align-GVGD: "Class C0"). ClinVar contains an entry for this variant (Variation ID: 949441). This variant has not been reported in the literature in individuals affected with TNNT1-related conditions. This variant is present in population databases (rs12976760, gnomAD 0.007%). This sequence change replaces arginine, which is basic and polar, with cysteine, which is neutral and slightly polar, at codon 184 of the TNNT1 protein (p.Arg184Cys).

NM_003283.6(TNNT1):c.550C>T (p.Arg184Cys)

Gene: TNNT1 (troponin T1, slow skeletal type; minus strand). Cytogenetic location: 19q13.42.
Variant type: single nucleotide variant.
Coding change: c.550C>T on transcript NM_003283.6 (MANE Select); coding-DNA position 550, C replaced by T.
Protein change: p.Arg184Cys; replaces arginine 184 with cysteine.
Molecular consequence: missense variant.
Genome position (GRCh38, 1-based): chr19:55,137,164, G>A on the plus strand (C>T on the coding strand, the complement: TNNT1 is on the minus strand). VCF-style: chr19-55137164-G-A. GRCh37 (hg19) VCF-style: chr19-55648532-G-A.
Other names: c.550C>T, p.Arg184Cys (NM_001126132.3); c.517C>T, p.Arg173Cys (NM_001126133.3, NM_001291774.2); c.550C>T (NM_003283.4); short protein forms R184C, R173C.
Identifiers: ClinVar variation 949441 (VCV000949441.11), dbSNP rs12976760, ClinGen allele CA9667375.
Genomic context (GRCh38, chr19:55,137,164, plus strand): 5'-GGAGCTGTTCCTCCCCCATGTAGTCAATGTCCAGAGGCTTCTTACGCTCGGAGAGGATGC[G>A]CACCTTCATCTCCCGCCCCGTCTGCCGCTTACCACGCTTCTGTTCTGCCTGAGGGTGGGG-3'
Protein context (NP_003274.3, residues 174-194): KRQTGREMKV[Arg184Cys]ILSERKKPLD